The following is an entry in ClinVar:

ClinVar aggregate classification (germline): Conflicting classifications of pathogenicity. Review status: criteria provided, conflicting classifications (1 of 4 stars). 2 submissions from 2 submitters: Uncertain significance (1); Likely benign (1). Last evaluated 2025-04-11.

Conditions:
Inborn genetic diseases. Identifiers: MedGen C0950123, MeSH D030342.

gnomAD v4.1: 25 of 1,548,574 alleles (0.0016%); highest among the groups gnomAD compares: South Asian, 0.029%; no homozygotes.

Submissions (2):

Ambry Genetics
Classification: Likely benign for Inborn genetic diseases. Last evaluated: 2025-04-11. Review status: criteria provided, single submitter. Criteria: Ambry Variant Classification Scheme 2023. Collection method: clinical testing. Allele origin: germline.

Labcorp Genetics (formerly Invitae), Labcorp
Classification: Uncertain significance. Last evaluated: 2024-06-25. Review status: criteria provided, single submitter. Criteria: Invitae Variant Classification Sherloc (09022015). Collection method: clinical testing. Allele origin: germline.
Comment: This sequence change replaces threonine, which is neutral and polar, with isoleucine, which is neutral and non-polar, at codon 272 of the NKX2-1 protein (p.Thr272Ile). This variant is present in population databases (rs774427469, gnomAD 0.02%). This variant has not been reported in the literature in individuals affected with NKX2-1-related conditions. An algorithm developed to predict the effect of missense changes on protein structure and function (PolyPhen-2) suggests that this variant is likely to be tolerated. In summary, the available evidence is currently insufficient to determine the role of this variant in disease. Therefore, it has been classified as a Variant of Uncertain Significance.

NM_001079668.3(NKX2-1):c.815C>T (p.Thr272Ile)

Genes: NKX2-1 (NK2 homeobox 1; minus strand), SFTA3 (surfactant associated 3; minus strand). Cytogenetic location: 14q13.3.
Variant type: single nucleotide variant.
Coding change: c.815C>T on transcript NM_001079668.3 (MANE Select); coding-DNA position 815, C replaced by T.
Protein change: p.Thr272Ile; replaces threonine 272 with isoleucine.
Molecular consequence: missense variant.
Genome position (GRCh38, 1-based): chr14:36,517,669, G>A on the plus strand (C>T on the coding strand, the complement: NKX2-1 is on the minus strand). VCF-style: chr14-36517669-G-A. GRCh37 (hg19) VCF-style: chr14-36986874-G-A.
Other names: c.725C>T, p.Thr242Ile (NM_003317.4); c.725C>T (NM_003317.3); short protein forms T242I, T272I.
Identifiers: ClinVar variation 3619291 (VCV003619291.3).
Genomic context (GRCh38, chr14:36,517,669, plus strand): 5'-ACCGGCACCGCCACGCGTCGCGGCGACTGCTGCTGAGCCTGTTGCTGCTGCGGGCACCCG[G>A]TGCCCCCGCCGCCCCCGCCGCCGCCGCTGTCCTGCTGCAGTTGCTGCTGCGCCGCCTTGT-3'
Protein context (NP_001073136.1, residues 262-282): DSGGGGGGGG[Thr272Ile]GCPQQQQAQQ